The following is an entry in ClinVar:

NM_001370298.3(FGD4):c.1586G>A (p.Ser529Asn)

Gene: FGD4 (FYVE, RhoGEF and PH domain containing 4; plus strand). Cytogenetic location: 12p11.21.
Variant type: single nucleotide variant.
Coding change: c.1586G>A on transcript NM_001370298.3 (MANE Select); coding-DNA position 1586, G replaced by A.
Protein change: p.Ser529Asn; replaces serine 529 with asparagine.
Molecular consequence: missense variant.
Genome position (GRCh38, 1-based): chr12:32,610,818, G>A. VCF-style: chr12-32610818-G-A. GRCh37 (hg19) VCF-style: chr12-32763752-G-A.
Other names: c.1175G>A (NM_139241.2); c.1430G>A, p.Ser477Asn (NM_001304481.2); c.431G>A, p.Ser144Asn (NM_001304483.2); c.143G>A, p.Ser48Asn (NM_001304484.2); c.896G>A, p.Ser299Asn (NM_001330373.2, NM_001330374.2, NM_001384130.1); c.623G>A, p.Ser208Asn (NM_001370297.1); c.1586G>A, p.Ser529Asn (NM_001384126.1); c.1175G>A, p.Ser392Asn (NM_001384127.1, NM_001384128.1, NM_001385118.1 and 1 more transcripts); short protein forms S477N, S392N, S144N, S208N, S299N, S48N, S529N.
Identifiers: ClinVar variation 543423 (VCV000543423.12), dbSNP rs781528826, ClinGen allele CA6506824.

ClinVar aggregate classification (germline): Uncertain significance. Review status: criteria provided, multiple submitters, no conflicts (2 of 4 stars). 2 submissions from 2 submitters: Uncertain significance (2). Last evaluated 2025-03-04.

Conditions:
Charcot-Marie-Tooth disease type 4. Also called: Charcot-Marie-Tooth, Type 4; Charcot-Marie-Tooth disease, type IV. Identifiers: Orphanet 64749, MedGen C4082197, MONDO:0018995.
Inborn genetic diseases. Identifiers: MedGen C0950123, MeSH D030342.
Charcot-Marie-Tooth disease type 4H (CMT4H). Also called: CHARCOT-MARIE-TOOTH DISEASE, DEMYELINATING, TYPE 4H; CHARCOT-MARIE-TOOTH DISEASE, AUTOSOMAL RECESSIVE, TYPE 4H; CHARCOT-MARIE-TOOTH DISEASE, DEMYELINATING, AUTOSOMAL RECESSIVE, TYPE 4H; CHARCOT-MARIE-TOOTH NEUROPATHY, TYPE 4H. Identifiers: Orphanet 99954, MedGen C1836336, MONDO:0012250, OMIM 609311.

Allele frequency attached by ClinVar (database versions not stated): TOPMed 0.00002; gnomAD 0.00003 and 0.00004; gnomAD exomes below 0.00001 and 0.00001; ExAC 0.00001.
gnomAD v4.1: 12 of 1,613,532 alleles (0.00074%); highest among the groups gnomAD compares: Admixed American, 0.0083%; no homozygotes.

Submissions (2):

Ambry Genetics
Classification: Uncertain significance for Inborn genetic diseases. Last evaluated: 2025-03-04. Review status: criteria provided, single submitter. Criteria: Ambry Variant Classification Scheme 2023. Collection method: clinical testing. Allele origin: germline.

Labcorp Genetics (formerly Invitae), Labcorp
Classification: Uncertain significance for Charcot-Marie-Tooth disease type 4. Last evaluated: 2022-07-26. Review status: criteria provided, single submitter. Criteria: Invitae Variant Classification Sherloc (09022015). Collection method: clinical testing. Allele origin: germline.
Comment: This sequence change replaces serine, which is neutral and polar, with asparagine, which is neutral and polar, at codon 392 of the FGD4 protein (p.Ser392Asn). This variant is present in population databases (rs781528826, gnomAD 0.006%). This variant has not been reported in the literature in individuals affected with FGD4-related conditions. ClinVar contains an entry for this variant (Variation ID: 543423). Algorithms developed to predict the effect of missense changes on protein structure and function (SIFT, PolyPhen-2, Align-GVGD) all suggest that this variant is likely to be disruptive. In summary, the available evidence is currently insufficient to determine the role of this variant in disease. Therefore, it has been classified as a Variant of Uncertain Significance.